The following is an entry in ClinVar:

NM_006088.6(TUBB4B):c.1171C>T (p.Arg391Cys)

Gene: TUBB4B (tubulin beta 4B class IVb; plus strand). Cytogenetic location: 9q34.3.
Variant type: single nucleotide variant.
Coding change: c.1171C>T on transcript NM_006088.6 (MANE Select); coding-DNA position 1171, C replaced by T.
Protein change: p.Arg391Cys; replaces arginine 391 with cysteine.
Molecular consequence: missense variant.
Genome position (GRCh38, 1-based): chr9:137,243,389, C>T. VCF-style: chr9-137243389-C-T. GRCh37 (hg19) VCF-style: chr9-140137841-C-T.
Other names: short protein forms R391C.
Identifiers: ClinVar variation 492939 (VCV000492939.9), dbSNP rs1554786802, ClinGen allele CA375756091.

ClinVar aggregate classification (germline): Pathogenic/Likely pathogenic. Review status: criteria provided, multiple submitters, no conflicts (2 of 4 stars). 7 submissions from 7 submitters: Pathogenic (4); Likely pathogenic (1). 2 of the submissions do not count toward it. Last evaluated 2025-01-17.

Conditions:
TUBB4B-related disorder. Also called: TUBB4B-related condition.
Leber congenital amaurosis with early-onset deafness. Identifiers: MedGen C4693498, MONDO:0060650, OMIM 617879.

Submissions (7):

GeneDx
Classification: Pathogenic. Last evaluated: 2025-01-17. Review status: criteria provided, single submitter. Criteria: GeneDx Variant Classification Process June 2021. Collection method: clinical testing. Allele origin: germline. Affected: yes.
Comment: Published functional studies demonstrate a damaging effect that results in diminished microtubule depolarization kinetics resulting in decreased microtubule growth rate (PMID: 29198720); Not observed at significant frequency in large population cohorts (gnomAD); In silico analysis, which includes protein predictors and evolutionary conservation, supports a deleterious effect; This variant is associated with the following publications: (PMID: 32681585, 29198720, 35240325, 36460718, 34021019)

Institute of Medical Genetics and Applied Genomics, University Hospital Tübingen
Classification: Pathogenic for Leber congenital amaurosis with early-onset deafness. Last evaluated: 2024-04-15. Review status: criteria provided, single submitter. Criteria: ACMG Guidelines, 2015. Collection method: clinical testing. Allele origin: germline. Inheritance: Autosomal dominant inheritance. Affected: yes.

Blueprint Genetics
Classification: Pathogenic for TUBB4B-related disorders. Last evaluated: 2019-12-03. Review status: criteria provided, single submitter. Criteria: ACMG Guidelines, 2015. Collection method: clinical testing. Allele origin: germline. Affected: yes. Observed: 1 variant allele.

SIB Swiss Institute of Bioinformatics
Classification: Likely pathogenic for Leber congenital amaurosis with early-onset deafness. Last evaluated: 2018-10-15. Review status: criteria provided, single submitter. Criteria: ACMG Guidelines, 2015. Collection method: curation. Allele origin: de novo.
Comment: This variant is interpreted as Likely Pathogenic, for Leber congenital amaurosis with early-onset deafness, autosomal dominant. The following ACMG Tag(s) were applied: PM2 => Absent from controls (or at extremely low frequency if recessive) in Exome Sequencing Project, 1000 Genomes Project, or Exome Aggregation Consortium. PS3-Moderate => PS3 downgraded in strength to Moderate (PubMed 29198720). PM6 => Assumed de novo, but without confirmation of paternity and maternity (PubMed 29198720). PM5 => Novel missense change at an amino acid residue where a different missense change determined to be pathogenic has been seen before. PP3 => Multiple lines of computational evidence support a deleterious effect on the gene or gene product.

Juno Genomics, Hangzhou Juno Genomics, Inc
Classification: Pathogenic for Leber congenital amaurosis with early-onset deafness. Review status: criteria provided, single submitter. Criteria: ACMG Guidelines, 2015. Collection method: clinical testing. Allele origin: germline. Affected: yes.
Comment: Absent from controls (or at extremely low frequency if recessive) in Genome Aggregation Database, Exome Sequencing Project, 1000 Genomes Project, or Exome Aggregation Consortium.;The prevalence of the variant in affected individuals is significantly increased compared to the prevalence in controls.;Patient's phenotype or family history is highly specific for a disease with a single genetic etiology.;Co-segregation with disease in multiple affected family members in a gene definitively known to cause the disease.;Assumed de novo, but without confirmation of paternity and maternity.;Novel missense change at an amino acid residue where a different missense change determined to be pathogenic has been seen before.;Missense variant in a gene that has a low rate of benign missense variation and where missense variants are a common mechanism of disease.;Multiple lines of computational evidence support a deleterious effect on the gene or gene product (conservation, evolutionary, splicing impact, etc).

Department of Medical Genetics, University of Pecs
Classification: Likely pathogenic for Leber congenital amaurosis with early-onset deafness. Last evaluated: 2022-01-10. Review status: no assertion criteria provided. Collection method: clinical testing. Allele origin: inherited. Inheritance: Autosomal dominant inheritance. Observed: 1 heterozygote. Not counted in ClinVar's aggregate classification.
Comment: TUBB4B c.1171 C>T variant results in arginine to cysteine amino acid change at 390 position. Classification of the variant according to the ACMG guidelines provide moderate/strong evidence of pathogenicity. Besides, this variant was observed in three members of a Hungarian family with Leber congenital amaurosis with early-onset deafness (LCAEOD) (under publication). The variant was assumed de novo with confirmation of only maternity (PM6). In vitro functional study of Luscan et al provide evidence that the variant has damaging effect on the gene product (PS3). The c.1171C>T variant affects the Arg390 amino acid residue where a different missense change (c.1172G>A) has been found to be pathogenic before (PM5). The c.1171C>T variant is absent from large general reference population and disease cohorts (1000Genomes, dbSNP, gnomAD: n>120 000 exomes and >15 000 genomes) (PM2). In silico prediction tools like PolyPhen, Provean and MutationTaster provide evidence that the c.1171C>T variant is a protein damaging, disease-causing variant (PP3). For these reasons, this variant was classified as a Likely Pathogenic variant for the autosomal dominant LCAEOD.

OMIM
Classification: Pathogenic for LEBER CONGENITAL AMAUROSIS AND EARLY-ONSET DEAFNESS. Last evaluated: 2018-02-16. Review status: no assertion criteria provided. Collection method: literature only. Allele origin: germline. Not counted in ClinVar's aggregate classification.

Literature cited by the submitters: PubMed 29198720 (cited by 3 submitters).